The following is an entry in ClinVar:

ClinVar aggregate classification (germline): Pathogenic. Review status: criteria provided, multiple submitters, no conflicts (2 of 4 stars). 3 submissions from 3 submitters: Pathogenic (2). 1 of the submissions does not count toward it. Last evaluated 2024-05-14.

Conditions:
Primary ciliary dyskinesia. Also called: Ciliary dyskinesia. Identifiers: Orphanet 244, MedGen C0008780, MONDO:0016575, HP:0012265.
Primary ciliary dyskinesia 3. Identifiers: Orphanet 244, MedGen C1837618, MONDO:0012085, OMIM 608644.

Submissions (3):

Myriad Genetics, Inc.
Classification: Pathogenic for Primary ciliary dyskinesia 3. Last evaluated: 2024-05-14. Review status: criteria provided, single submitter. Criteria: Myriad Autosomal Dominant, Autosomal Recessive and X-Linked Classification Criteria (2023). Collection method: clinical testing. Allele origin: unknown.
Comment: NM_001369.2(DNAH5):c.5588delT(F1863Sfs*8) is expected to be pathogenic in the context of primary ciliary dyskinesia, DNAH5-related. This variant is predicted to lead to an abnormal or absent protein product due to the creation of a premature termination codon in DNAH5, a gene where loss-of-function variants are known to be pathogenic. Please note: this variant was assessed in the context of healthy population screening.

Labcorp Genetics (formerly Invitae), Labcorp
Classification: Pathogenic for Primary ciliary dyskinesia. Last evaluated: 2023-09-29. Review status: criteria provided, single submitter. Criteria: Invitae Variant Classification Sherloc (09022015). Collection method: clinical testing. Allele origin: germline.
Comment: For these reasons, this variant has been classified as Pathogenic. ClinVar contains an entry for this variant (Variation ID: 1344590). This premature translational stop signal has been observed in individual(s) with DNAH5-related conditions (PMID: 30067075). This variant is not present in population databases (gnomAD no frequency). This sequence change creates a premature translational stop signal (p.Phe1863Serfs*8) in the DNAH5 gene. It is expected to result in an absent or disrupted protein product. Loss-of-function variants in DNAH5 are known to be pathogenic (PMID: 11788826, 16627867).

Yale Center for Mendelian Genomics, Yale University
Classification: Likely pathogenic for Primary ciliary dyskinesia. Last evaluated: 2018-08-01. Review status: no assertion criteria provided. Collection method: literature only. Allele origin: germline. Affected: yes. Observed: 1 compound heterozygote. Study: Yale Center for Mendelian Genomics. Not counted in ClinVar's aggregate classification.

Literature cited by the submitters: PubMed 30067075 (cited by Labcorp Genetics (formerly Invitae), Labcorp and Yale Center for Mendelian Genomics, Yale University); PubMed 11788826 (cited by Labcorp Genetics (formerly Invitae), Labcorp); PubMed 16627867 (cited by Labcorp Genetics (formerly Invitae), Labcorp).

NM_001369.3(DNAH5):c.5588del (p.Phe1863fs)

Gene: DNAH5 (dynein axonemal heavy chain 5; minus strand). Cytogenetic location: 5p15.2.
Variant type: Deletion.
Coding change: c.5588del on transcript NM_001369.3 (MANE Select); coding-DNA position 5588, one base deleted (T; older notation c.5588delT).
Protein change: p.Phe1863fs; shifts the reading frame from phenylalanine 1863.
Molecular consequence: frameshift variant.
Genome position (GRCh38, 1-based): chr5:13,841,027, A deleted on the plus strand (T on the coding strand, the reverse complement: DNAH5 is on the minus strand); the first of 3 consecutive A bases (chr5:13,841,027-13,841,029); deleting any one gives the same sequence. VCF-style (leftmost placement, unchanged base first): chr5-13841026-GA-G. GRCh37 (hg19) VCF-style: chr5-13841135-GA-G.
Other names: short protein forms F1863fs.
Identifiers: ClinVar variation 1344590 (VCV001344590.5), dbSNP rs2151860332, ClinGen allele CA2573138474.